The following is an entry in ClinVar:

ClinVar aggregate classification (germline): Uncertain significance (1 of 4 stars; one submission).

Conditions:
Neuronal ceroid lipofuscinosis. Also called: Neuronal Ceroid Lipofuscinoses. Identifiers: Orphanet 216, Orphanet 79263, MedGen C0027877, MONDO:0016295. Disease mechanism: loss of function.

Allele frequency attached by ClinVar (database versions not stated): ExAC 0.00002.

Submission:

Labcorp Genetics (formerly Invitae), Labcorp
Classification: Uncertain significance for Neuronal ceroid lipofuscinosis. Last evaluated: 2022-08-17. Review status: criteria provided, single submitter. Criteria: Invitae Variant Classification Sherloc (09022015). Collection method: clinical testing. Allele origin: germline.
Comment: This variant is present in population databases (rs757666244, gnomAD 0.006%). This sequence change replaces serine, which is neutral and polar, with leucine, which is neutral and non-polar, at codon 36 of the CLN5 protein (p.Ser36Leu). This variant has not been reported in the literature in individuals affected with CLN5-related conditions. In summary, the available evidence is currently insufficient to determine the role of this variant in disease. Therefore, it has been classified as a Variant of Uncertain Significance. Algorithms developed to predict the effect of missense changes on protein structure and function output the following: SIFT: "Deleterious"; PolyPhen-2: "Possibly Damaging"; Align-GVGD: "Class C0". The leucine amino acid residue is found in multiple mammalian species, which suggests that this missense change does not adversely affect protein function.

NC_000013.11:g.76992058C>T

Gene: CLN5 (CLN5 lysosomal BMP synthase; plus strand). Cytogenetic location: 13q22.3.
Variant type: single nucleotide variant.
Molecular consequence: missense variant (on NM_006493.2).
Genome position: GRCh38 VCF-style: chr13-76992058-C-T. GRCh37 (hg19) VCF-style: chr13-77566193-C-T.
Other names: c.107C>T, p.Ser36Leu (NM_006493.2); short protein forms S36L.
Identifiers: ClinVar variation 1945047 (VCV001945047.3), dbSNP rs757666244, ClinGen allele CA7007091.